The following is an entry in ClinVar:

Single allele

Genes: DNAH3 (dynein axonemal heavy chain 3; minus strand), LYRM1 (LYR motif containing 1; plus strand), LOC126862312 (CDK7 strongly-dependent group 2 enhancer GRCh37_chr16:20982344-20983543; plus strand). Cytogenetic location: 16p12.3.
Variant type: Deletion.
Identifiers: ClinVar variation 157359 (VCV000157359.2).

ClinVar aggregate classification (germline): not provided (0 of 4 stars; one submission).

Conditions:
Large for gestational age. Identifiers: MedGen C1848395, HP:0001520.

Submission:

Institute of Molecular and Cell Biology, University of Tartu
No classification provided. Condition: Large for gestational age. Review status: no classification provided. Collection method: case-control. Allele origin: unknown. Affected: yes. Study: Kasak2014.
Comment: The study aimed to determine the contribution of copy number variants in the genetic etiology of normal and complicated pregnancies. The samples represented (i) maternal blood DNA drawn from healthy pregnant women during 1st or 2nd trimester and (ii) maternal and paternal blood DNA drawn at term pregnancy cases representing normal and complicated gestations (severe preeclampsia, PE; gestational diabetes, GD; small-for-gestational age newborn, SGA; large-for-gestational age newborn, LGA). We performed CNV calling based on genome-wide genotyping dataset (Illumina HumanOmniExpress-24-v1 BeadChip) by applying three algorithms, QuantiSNP, GADA (Genome Alteration Detection Algorithm) and CNstream in parallel. The acquired CNV calls were merged with HD-CNV (Hotspot Detector for Copy Number Variants) program and only the CNVs predicted by at least two programs, were considered in subsequent analysis.

Literature cited by the submitters: PubMed 25666259.